The following is an entry in ClinVar:

ClinVar aggregate classification (germline): Uncertain significance (1 of 4 stars; one submission).

Conditions:
Early-infantile DEE. Also called: Early infantile epileptic encephalopathy with suppression bursts; Early infantile epileptic encephalopathy; Ohtahara syndrome. Identifiers: Orphanet 1934, MedGen C0393706, MONDO:0800491.

gnomAD v4.1: 3 of 151,170 alleles (0.002%); highest among the groups gnomAD compares: Non-Finnish European, 0.0044%; no homozygotes.

Submission:

Labcorp Genetics (formerly Invitae), Labcorp
Classification: Uncertain significance for Early-infantile DEE. Last evaluated: 2024-06-15. Review status: criteria provided, single submitter. Criteria: Invitae Variant Classification Sherloc (09022015). Collection method: clinical testing. Allele origin: germline.
Comment: This sequence change falls in intron 20 of the SCN1A gene. It does not directly change the encoded amino acid sequence of the SCN1A protein. However, this sequence change falls within a region encompassing a cryptic exon in the SCN1A gene, in which variants have been shown to alter splicing (PMID: 30526861, 34107977). This variant is present in population databases (no rsID available, gnomAD 0.007%). This variant has not been reported in the literature in individuals affected with SCN1A-related conditions. Algorithms developed to predict the effect of sequence changes on RNA splicing suggest that this variant is not likely to affect RNA splicing. In summary, the available evidence is currently insufficient to determine the role of this variant in disease. Therefore, it has been classified as a Variant of Uncertain Significance.

Literature cited by the submitters: PubMed 30526861; PubMed 34107977.

NM_001165963.4(SCN1A):c.4002+2327G>A

Genes: SCN1A (sodium voltage-gated channel alpha subunit 1; minus strand), LOC102724058 (uncharacterized LOC102724058; plus strand). Cytogenetic location: 2q24.3.
Variant type: single nucleotide variant.
Coding change: c.4002+2327G>A on transcript NM_001165963.4 (MANE Select); 2327 bases into the intron after coding-DNA position 4002, G replaced by A.
Molecular consequence: intron variant.
Genome position (GRCh38, 1-based): chr2:166,007,392, C>T on the plus strand (G>A on the coding strand, the complement: SCN1A is on the minus strand). VCF-style: chr2-166007392-C-T. GRCh37 (hg19) VCF-style: chr2-166863902-C-T.
Other names: c.3969+2327G>A (NM_001353949.2, NM_001353950.2, NM_001353951.2 and 2 more transcripts); c.3918+2327G>A (NM_001353958.2, NM_001353957.2, NM_001165964.3); c.4002+2327G>A (NM_001202435.3, NM_001353948.2); c.3966+2327G>A (NM_001353955.2, NM_001353954.2); c.3915+2327G>A (NM_001353960.2); c.1560+2327G>A (NM_001353961.2).
Identifiers: ClinVar variation 3698885 (VCV003698885.2).